The following is an entry in ClinVar:

NM_001160372.4(TRAPPC9):c.1592C>T (p.Pro531Leu)

Gene: TRAPPC9 (trafficking protein particle complex subunit 9; minus strand). Cytogenetic location: 8q24.3.
Variant type: single nucleotide variant.
Coding change: c.1592C>T on transcript NM_001160372.4 (MANE Select); coding-DNA position 1592, C replaced by T.
Protein change: p.Pro531Leu; replaces proline 531 with leucine.
Molecular consequence: missense variant. On other transcripts: non-coding transcript variant (1).
Genome position (GRCh38, 1-based): chr8:140,311,278, G>A on the plus strand (C>T on the coding strand, the complement: TRAPPC9 is on the minus strand). VCF-style: chr8-140311278-G-A. GRCh37 (hg19) VCF-style: chr8-141321377-G-A.
Other names: c.1565C>T, p.Pro522Leu (NM_001321646.2); c.1613C>T, p.Pro538Leu (NM_001374682.1); c.1592C>T, p.Pro531Leu (NM_001374683.1, NM_031466.8); c.1448C>T, p.Pro483Leu (NM_001374684.1); short protein forms P522L, P531L, P483L, P538L.
Identifiers: ClinVar variation 1499893 (VCV001499893.6), dbSNP rs768262663, ClinGen allele CA4893405.
Genomic context (GRCh38, chr8:140,311,278, plus strand): 5'-GCCTTTCCGGCTCTGCAGTGCCCATCTCACCTGACGATGGGAAGCTTGGTGAAGGGCACC[G>A]GTGGCAGGGTGAGGCCGCCAGGGAGGGCGATGGGCTCCATGGTCCCAGGACACTTGGACG-3'
Protein context (NP_001153844.1, residues 521-541): IALPGGLTLP[Pro531Leu]VPFTKLPIVR

ClinVar aggregate classification (germline): Uncertain significance (1 of 4 stars; one submission).

Allele frequency attached by ClinVar (database versions not stated): TOPMed below 0.00001; ExAC 0.00001; gnomAD exomes 0.00001.
gnomAD v4.1: 15 of 1,612,998 alleles (0.00093%); highest among the groups gnomAD compares: South Asian, 0.0088%; no homozygotes.

Submission:

Labcorp Genetics (formerly Invitae), Labcorp
Classification: Uncertain significance. Last evaluated: 2023-12-11. Review status: criteria provided, single submitter. Criteria: Invitae Variant Classification Sherloc (09022015). Collection method: clinical testing. Allele origin: germline.
Comment: This sequence change replaces proline, which is neutral and non-polar, with leucine, which is neutral and non-polar, at codon 629 of the TRAPPC9 protein (p.Pro629Leu). This variant is present in population databases (rs768262663, gnomAD 0.006%). This variant has not been reported in the literature in individuals affected with TRAPPC9-related conditions. ClinVar contains an entry for this variant (Variation ID: 1499893). An algorithm developed to predict the effect of missense changes on protein structure and function (PolyPhen-2) suggests that this variant is likely to be disruptive. In summary, the available evidence is currently insufficient to determine the role of this variant in disease. Therefore, it has been classified as a Variant of Uncertain Significance.